The following is an entry in ClinVar:

ClinVar aggregate classification (germline): Likely benign (1 of 4 stars; one submission).

gnomAD v4.1: 139 of 1,536,888 alleles (0.009%); highest among the groups gnomAD compares: Admixed American, 0.018%; no homozygotes.

Submission:

CeGaT Center for Human Genetics Tuebingen
Classification: Likely benign. Last evaluated: 2026-04-01. Review status: criteria provided, single submitter. Criteria: CeGaT Center For Human Genetics Tuebingen Variant Classification Criteria Version 2. Collection method: clinical testing. Allele origin: germline. Affected: yes. Observed: 1 variant allele.
Comment: NOBOX: BP4, BP7

NM_001436401.1(NOBOX):c.1218A>G (p.Pro406=)

Gene: NOBOX (NOBOX oogenesis homeobox; minus strand). Cytogenetic location: 7q35.
Variant type: single nucleotide variant.
Coding change: c.1218A>G on transcript NM_001436401.1 (MANE Select); coding-DNA position 1218, A replaced by G.
Protein change: p.Pro406=; no amino-acid change (proline 406 retained).
Molecular consequence: synonymous variant.
Genome position (GRCh38, 1-based): chr7:144,398,487, T>C on the plus strand (A>G on the coding strand, the complement: NOBOX is on the minus strand). VCF-style: chr7-144398487-T-C. GRCh37 (hg19) VCF-style: chr7-144095580-T-C.
Other names: c.666A>G, p.Pro222= (NM_001436402.1).
Identifiers: ClinVar variation 4872876 (VCV004872876.2).